The following is an entry in ClinVar:

ClinVar aggregate classification (germline): Uncertain significance (1 of 4 stars; one submission).

gnomAD v4.1: 1 of 1,597,364 alleles (0.000063%); highest among the groups gnomAD compares: Non-Finnish European, 0.000085%; no homozygotes.

Submission:

Labcorp Genetics (formerly Invitae), Labcorp
Classification: Uncertain significance. Last evaluated: 2023-06-11. Review status: criteria provided, single submitter. Criteria: Invitae Variant Classification Sherloc (09022015). Collection method: clinical testing. Allele origin: germline.
Comment: In summary, the available evidence is currently insufficient to determine the role of this variant in disease. Therefore, it has been classified as a Variant of Uncertain Significance. Advanced modeling of protein sequence and biophysical properties (such as structural, functional, and spatial information, amino acid conservation, physicochemical variation, residue mobility, and thermodynamic stability) performed at Invitae indicates that this missense variant is not expected to disrupt SLC26A1 protein function. This variant has not been reported in the literature in individuals affected with SLC26A1-related conditions. This variant is not present in population databases (gnomAD no frequency). This sequence change replaces histidine, which is basic and polar, with glutamine, which is neutral and polar, at codon 435 of the SLC26A1 protein (p.His435Gln).

NM_022042.4(SLC26A1):c.1305C>A (p.His435Gln)

Genes: IDUA (alpha-L-iduronidase; plus strand), SLC26A1 (solute carrier family 26 member 1; minus strand). Cytogenetic location: 4p16.3.
Variant type: single nucleotide variant.
Coding change: c.1305C>A on transcript NM_022042.4 (MANE Select); coding-DNA position 1305, C replaced by A.
Protein change: p.His435Gln; replaces histidine 435 with glutamine.
Molecular consequence: missense variant. On other transcripts: intron variant (2).
Genome position (GRCh38, 1-based): chr4:989,634, G>T on the plus strand (C>A on the coding strand, the complement: SLC26A1 is on the minus strand). VCF-style: chr4-989634-G-T. GRCh37 (hg19) VCF-style: chr4-983422-G-T.
Other names: c.1305C>A, p.His435Gln (NM_213613.4); c.576+1494C>A (NM_134425.4); c.299+1685G>T (NM_000203.5); short protein forms H435Q.
Identifiers: ClinVar variation 2711804 (VCV002711804.3), dbSNP rs142212318, ClinGen allele CA355951891.